The following is an entry in ClinVar:

NM_033100.4(CDHR1):c.1049C>T (p.Pro350Leu)

Gene: CDHR1 (cadherin related family member 1; plus strand). Cytogenetic location: 10q23.1.
Variant type: single nucleotide variant.
Coding change: c.1049C>T on transcript NM_033100.4 (MANE Select); coding-DNA position 1049, C replaced by T.
Protein change: p.Pro350Leu; replaces proline 350 with leucine.
Molecular consequence: missense variant.
Genome position (GRCh38, 1-based): chr10:84,208,259, C>T. VCF-style: chr10-84208259-C-T. GRCh37 (hg19) VCF-style: chr10-85968015-C-T.
Other names: c.1049C>T (NM_033100.2); c.1049C>T, p.Pro350Leu (NM_001171971.3); short protein forms P350L.
Identifiers: ClinVar variation 1062636 (VCV001062636.10), dbSNP rs778266429, ClinGen allele CA5579821.

ClinVar aggregate classification (germline): Uncertain significance. Review status: criteria provided, multiple submitters, no conflicts (2 of 4 stars). 3 submissions from 3 submitters: Uncertain significance (3). Last evaluated 2025-04-06.

Conditions:
Inborn genetic diseases. Identifiers: MedGen C0950123, MeSH D030342.

Allele frequency attached by ClinVar (database versions not stated): gnomAD exomes 0.00001 and 0.00004; gnomAD 0.00003 and 0.00004; ExAC 0.00004; TOPMed 0.00005.

Submissions (3):

Ambry Genetics
Classification: Uncertain significance for Inborn genetic diseases. Last evaluated: 2025-04-06. Review status: criteria provided, single submitter. Criteria: Ambry Variant Classification Scheme 2023. Collection method: clinical testing. Allele origin: germline.

Labcorp Genetics (formerly Invitae), Labcorp
Classification: Uncertain significance. Last evaluated: 2023-11-27. Review status: criteria provided, single submitter. Criteria: Invitae Variant Classification Sherloc (09022015). Collection method: clinical testing. Allele origin: germline.
Comment: This sequence change replaces proline, which is neutral and non-polar, with leucine, which is neutral and non-polar, at codon 350 of the CDHR1 protein (p.Pro350Leu). This variant is present in population databases (rs778266429, gnomAD 0.06%). This variant has not been reported in the literature in individuals affected with CDHR1-related conditions. ClinVar contains an entry for this variant (Variation ID: 1062636). Advanced modeling of protein sequence and biophysical properties (such as structural, functional, and spatial information, amino acid conservation, physicochemical variation, residue mobility, and thermodynamic stability) performed at Invitae indicates that this missense variant is not expected to disrupt CDHR1 protein function with a negative predictive value of 80%. In summary, the available evidence is currently insufficient to determine the role of this variant in disease. Therefore, it has been classified as a Variant of Uncertain Significance.

Blueprint Genetics
Classification: Uncertain significance. Last evaluated: 2022-11-29. Review status: criteria provided, single submitter. Criteria: ACMG Guidelines, 2015. Collection method: clinical testing. Allele origin: germline.